The following is an entry in ClinVar:

ClinVar aggregate classification (germline): Uncertain significance (1 of 4 stars; one submission).

Conditions:
Amyotrophic lateral sclerosis type 1 (ALS1). Also called: AMYOTROPHIC LATERAL SCLEROSIS 1, FAMILIAL. Identifiers: Orphanet 803, MedGen C1862939, MONDO:0007103, OMIM 105400.

Submission:

Labcorp Genetics (formerly Invitae), Labcorp
Classification: Uncertain significance for Amyotrophic lateral sclerosis type 1. Last evaluated: 2021-10-15. Review status: criteria provided, single submitter. Criteria: Invitae Variant Classification Sherloc (09022015). Collection method: clinical testing. Allele origin: germline.
Comment: This sequence change replaces histidine with glutamine at codon 72 of the SOD1 protein (p.His72Gln). The histidine residue is highly conserved and there is a small physicochemical difference between histidine and glutamine. This variant is not present in population databases (ExAC no frequency). This missense change has been observed in individual(s) with amyotrophic lateral sclerosis (Invitae). Advanced modeling of protein sequence and biophysical properties (such as structural, functional, and spatial information, amino acid conservation, physicochemical variation, residue mobility, and thermodynamic stability) performed at Invitae indicates that this missense variant is expected to disrupt SOD1 protein function. This variant disrupts the p.His72 amino acid residue in SOD1. Other variant(s) that disrupt this residue have been observed in individuals with SOD1-related conditions (PMID: 25681989), which suggests that this may be a clinically significant amino acid residue. In summary, the available evidence is currently insufficient to determine the role of this variant in disease. Therefore, it has been classified as a Variant of Uncertain Significance.

Literature cited by the submitters: PubMed 25681989.

NM_000454.5(SOD1):c.216C>G (p.His72Gln)

Gene: SOD1 (superoxide dismutase 1; plus strand). Cytogenetic location: 21q22.11.
Variant type: single nucleotide variant.
Coding change: c.216C>G on transcript NM_000454.5 (MANE Select); coding-DNA position 216, C replaced by G.
Protein change: p.His72Gln; replaces histidine 72 with glutamine.
Molecular consequence: missense variant.
Genome position (GRCh38, 1-based): chr21:31,666,495, C>G. VCF-style: chr21-31666495-C-G. GRCh37 (hg19) VCF-style: chr21-33038808-C-G.
Other names: short protein forms H72Q.
Identifiers: ClinVar variation 1484236 (VCV001484236.6), dbSNP rs368042695, ClinGen allele CA410037304.